The following is an entry in ClinVar:

ClinVar aggregate classification (germline): Uncertain significance (1 of 4 stars; one submission).

Allele frequency attached by ClinVar (database versions not stated): gnomAD 0.00001; ExAC 0.00002; TOPMed 0.00002; gnomAD exomes 0.00003 and 0.00005.
gnomAD v4.1: 78 of 1,613,374 alleles (0.0048%); highest among the groups gnomAD compares: Non-Finnish European, 0.0064%; no homozygotes.

Submission:

Laboratory for Molecular Medicine, Mass General Brigham Personalized Medicine
Classification: Uncertain significance. Last evaluated: 2015-04-17. Review status: criteria provided, single submitter. Criteria: LMM Criteria. Collection method: clinical testing. Allele origin: germline. Observed: 3 variant alleles.
Comment: The p.Arg618Gln variant in MYO6 has not been previously reported in individuals with hearing loss, but has been identified in 1/10248 African chromosomes and 2/ 66430 European chromosomes by the Exome Aggregation Consortium (ExAC). Computational prediction tools and conservation analyses do not provide strong support for or against an impact to the protein. In summar y, the clinical significance of the p.Arg618Gln variant is uncertain.

NM_004999.4(MYO6):c.1853G>A (p.Arg618Gln)

Gene: MYO6 (myosin VI; plus strand). Cytogenetic location: 6q14.1.
Variant type: single nucleotide variant.
Coding change: c.1853G>A on transcript NM_004999.4 (MANE Select); coding-DNA position 1853, G replaced by A.
Protein change: p.Arg618Gln; replaces arginine 618 with glutamine.
Molecular consequence: missense variant. On other transcripts: non-coding transcript variant (1).
Genome position (GRCh38, 1-based): chr6:75,867,014, G>A. VCF-style: chr6-75867014-G-A. GRCh37 (hg19) VCF-style: chr6-76576731-G-A.
Other names: c.1853G>A, p.Arg618Gln (NM_001300899.2, NM_001368136.1, NM_001368137.1 and 2 more transcripts); c.1838G>A, p.Arg613Gln (NM_001368138.1); short protein forms R618Q, R613Q.
Identifiers: ClinVar variation 228990 (VCV000228990.4), dbSNP rs777201018, ClinGen allele CA3897227.